The following is an entry in ClinVar:

ClinVar aggregate classification (germline): Likely benign. Review status: criteria provided, multiple submitters, no conflicts (2 of 4 stars). 2 submissions from 2 submitters: Likely benign (2). Last evaluated 2025-06-01.

Conditions:
Developmental and epileptic encephalopathy, 53. Also called: Epileptic encephalopathy, early infantile, 53. Identifiers: MedGen C4479313, MONDO:0033362, OMIM 617389.
Early-onset Parkinson disease 20. Also called: PARKINSON DISEASE 20, AUTOSOMAL RECESSIVE EARLY-ONSET. Identifiers: Orphanet 391411, MedGen C3809824, MONDO:0014233, OMIM 615530.

Allele frequency attached by ClinVar (database versions not stated): gnomAD exomes 0.00002 and 0.00005; ExAC 0.00004; TOPMed 0.00005; ESP Exome Variant Server 0.00008; gnomAD 0.00009.
gnomAD v4.1: 80 of 1,613,348 alleles (0.005%); highest among the groups gnomAD compares: African/African-American, 0.024%; no homozygotes.

Submissions (2):

CeGaT Center for Human Genetics Tuebingen
Classification: Likely benign. Last evaluated: 2025-06-01. Review status: criteria provided, single submitter. Criteria: CeGaT Center For Human Genetics Tuebingen Variant Classification Criteria Version 2. Collection method: clinical testing. Allele origin: germline. Affected: yes. Observed: 1 variant allele.
Comment: SYNJ1: BP4, BP7

Labcorp Genetics (formerly Invitae), Labcorp
Classification: Likely benign for Developmental and epileptic encephalopathy, 53; Early-onset Parkinson disease 20. Last evaluated: 2025-05-22. Review status: criteria provided, single submitter. Criteria: Invitae Variant Classification Sherloc (09022015). Collection method: clinical testing. Allele origin: germline.

NM_203446.3(SYNJ1):c.2205C>T (p.Ile735=)

Gene: SYNJ1 (synaptojanin 1; minus strand). Cytogenetic location: 21q22.11.
Variant type: single nucleotide variant.
Coding change: c.2205C>T on transcript NM_203446.3 (MANE Select); coding-DNA position 2205, C replaced by T.
Protein change: p.Ile735=; no amino-acid change (isoleucine 735 retained).
Molecular consequence: synonymous variant.
Genome position (GRCh38, 1-based): chr21:32,665,012, G>A on the plus strand (C>T on the coding strand, the complement: SYNJ1 is on the minus strand). VCF-style: chr21-32665012-G-A. GRCh37 (hg19) VCF-style: chr21-34037322-G-A.
Other names: c.2205C>T, p.Ile735= (NM_001160302.2); c.2190C>T, p.Ile730= (NM_001160306.2); c.2322C>T, p.Ile774= (NM_003895.4).
Identifiers: ClinVar variation 742896 (VCV000742896.19), dbSNP rs149236383, ClinGen allele CA10003714.